The following is an entry in ClinVar:

NM_006514.4(SCN10A):c.3116G>A (p.Cys1039Tyr)

Genes: SCN10A (sodium voltage-gated channel alpha subunit 10; minus strand), LOC110121288 (VISTA enhancer hs2268; plus strand). Cytogenetic location: 3p22.2.
Variant type: single nucleotide variant.
Coding change: c.3116G>A on transcript NM_006514.4 (MANE Select); coding-DNA position 3116, G replaced by A.
Protein change: p.Cys1039Tyr; replaces cysteine 1039 with tyrosine.
Molecular consequence: missense variant.
Genome position (GRCh38, 1-based): chr3:38,725,286, C>T on the plus strand (G>A on the coding strand, the complement: SCN10A is on the minus strand). VCF-style: chr3-38725286-C-T. GRCh37 (hg19) VCF-style: chr3-38766777-C-T.
Other names: c.3116G>A (NM_006514.2); c.3113G>A, p.Cys1038Tyr (NM_001293306.2); c.2822G>A, p.Cys941Tyr (NM_001293307.2); short protein forms C1038Y, C1039Y, C941Y.
Identifiers: ClinVar variation 1022653 (VCV001022653.3), dbSNP rs765623505, ClinGen allele CA2320347.
Genomic context (GRCh38, chr3:38,725,286, plus strand): 5'-GGAGCCAGGTCCTCAGAAGATGTTCCAGTGCCTGGGCTCCTGGGTGTCAGGTGGTCCCCA[C>T]ACCTCTCGACTTGCTGCAGCTGCTCCTGCTAGTGAGAGAGGGTCCCAACTGGGTGCCTGG-3'
Protein context (NP_006505.4, residues 1029-1049): QQEQLQQVER[Cys1039Tyr]GDHLTPRSPG

ClinVar aggregate classification (germline): Uncertain significance. Review status: criteria provided, multiple submitters, no conflicts (2 of 4 stars). 2 submissions from 2 submitters: Uncertain significance (2). Last evaluated 2026-06-18.

Conditions:
Brugada syndrome. Also called: Sudden unexpected nocturnal death syndrome; Sudden Unexplained Death Syndrome; Sudden Unexplained Nocturnal Death Syndrome (SUNDS); Sudden unexplained nocturnal death syndrome. Identifiers: Orphanet 130, MedGen C1142166, MONDO:0015263.
Cardiovascular phenotype. Identifiers: MedGen CN230736.

Allele frequency attached by ClinVar (database versions not stated): ExAC 0.00001; gnomAD exomes below 0.00001.
gnomAD v4.1: 3 of 1,583,014 alleles (0.00019%); highest among the groups gnomAD compares: African/African-American, 0.0013%; no homozygotes.

Submissions (2):

Ambry Genetics
Classification: Uncertain significance for Cardiovascular phenotype. Last evaluated: 2026-06-18. Review status: criteria provided, single submitter. Criteria: Ambry Variant Classification Scheme 2023. Collection method: clinical testing. Allele origin: germline.
Comment: The p.C1039Y variant (also known as c.3116G>A), located in coding exon 17 of the SCN10A gene, results from a G to A substitution at nucleotide position 3116. The cysteine at codon 1039 is replaced by tyrosine, an amino acid with highly dissimilar properties. This amino acid position is conserved. In addition, this alteration is predicted to be tolerated by in silico analysis. Based on the available evidence, the clinical significance of this variant remains unclear.

Labcorp Genetics (formerly Invitae), Labcorp
Classification: Uncertain significance for Brugada syndrome. Last evaluated: 2021-08-26. Review status: criteria provided, single submitter. Criteria: Invitae Variant Classification Sherloc (09022015). Collection method: clinical testing. Allele origin: germline.
Comment: This sequence change replaces cysteine with tyrosine at codon 1039 of the SCN10A protein (p.Cys1039Tyr). The cysteine residue is moderately conserved and there is a large physicochemical difference between cysteine and tyrosine. The frequency data for this variant in the population databases is considered unreliable, as metrics indicate poor data quality at this position in the ExAC database. This variant has not been reported in the literature in individuals affected with SCN10A-related conditions. Algorithms developed to predict the effect of missense changes on protein structure and function output the following: SIFT: "Tolerated"; PolyPhen-2: "Benign"; Align-GVGD: "Class C0". The tyrosine amino acid residue is found in multiple mammalian species, which suggests that this missense change does not adversely affect protein function. In summary, the available evidence is currently insufficient to determine the role of this variant in disease. Therefore, it has been classified as a Variant of Uncertain Significance.